The following is an entry in ClinVar:

ClinVar aggregate classification (germline): Conflicting classifications of pathogenicity. Review status: criteria provided, conflicting classifications (1 of 4 stars). 3 submissions from 3 submitters: Uncertain significance (1); Likely benign (1). 1 of the submissions does not count toward it. Last evaluated 2025-12-24.

Conditions:
Inborn genetic diseases. Identifiers: MedGen C0950123, MeSH D030342.
IFT27-related disorder. Also called: IFT27-related condition.

Allele frequency attached by ClinVar (database versions not stated): gnomAD 0.00006; ESP Exome Variant Server 0.00008; TOPMed 0.00008; ExAC 0.00009; gnomAD exomes 0.00010.
gnomAD v4.1: 108 of 1,613,928 alleles (0.0067%); highest among the groups gnomAD compares: Admixed American, 0.023%; no homozygotes.

Submissions (3):

Labcorp Genetics (formerly Invitae), Labcorp
Classification: Likely benign. Last evaluated: 2025-12-24. Review status: criteria provided, single submitter. Criteria: Invitae Variant Classification Sherloc (09022015). Collection method: clinical testing. Allele origin: germline.

Ambry Genetics
Classification: Uncertain significance for Inborn genetic diseases. Last evaluated: 2021-09-15. Review status: criteria provided, single submitter. Criteria: Ambry Variant Classification Scheme 2023. Collection method: clinical testing. Allele origin: germline.

PreventionGenetics, part of Exact Sciences
Classification: Uncertain significance for IFT27-related condition. Last evaluated: 2024-08-25. Review status: no assertion criteria provided. Collection method: clinical testing. Allele origin: germline. Not counted in ClinVar's aggregate classification.
Comment: The IFT27 c.544C>T variant is predicted to result in the amino acid substitution p.Arg182Trp. To our knowledge, this variant has not been reported in the literature. This variant is reported in 0.023% of alleles in individuals of Latino descent in gnomAD. At this time, the clinical significance of this variant is uncertain due to the absence of conclusive functional and genetic evidence.

NM_001177701.3(IFT27):c.547C>T (p.Arg183Trp)

Genes: CACNG2-DT (CACNG2 divergent transcript; plus strand), IFT27 (intraflagellar transport 27; minus strand). Cytogenetic location: 22q12.3.
Variant type: single nucleotide variant.
Coding change: c.547C>T on transcript NM_001177701.3 (MANE Select); coding-DNA position 547, C replaced by T.
Protein change: p.Arg183Trp; replaces arginine 183 with tryptophan.
Molecular consequence: missense variant.
Genome position (GRCh38, 1-based): chr22:36,758,325, G>A on the plus strand (C>T on the coding strand, the complement: IFT27 is on the minus strand). VCF-style: chr22-36758325-G-A. GRCh37 (hg19) VCF-style: chr22-37154369-G-A.
Other names: c.547C>T, p.Arg183Trp (NM_001363003.2); c.544C>T, p.Arg182Trp (NM_006860.5); c.547C>T (NM_001177701.1); c.544C>T (NM_006860.4); short protein forms R182W, R183W.
Identifiers: ClinVar variation 1152834 (VCV001152834.12), dbSNP rs150387982, ClinGen allele CA10212298.